The following is an entry in ClinVar:

ClinVar aggregate classification (germline): Pathogenic (1 of 4 stars; one submission).

Conditions:
Cortical dysplasia-focal epilepsy syndrome (PTHSL1). Also called: Pitt-Hopkins-like syndrome 1. Identifiers: Orphanet 163681, Orphanet 221150, MedGen C2750246, MONDO:0012400, OMIM 610042.

Allele frequency attached by ClinVar (database versions not stated): TOPMed below 0.00001.

Submission:

Labcorp Genetics (formerly Invitae), Labcorp
Classification: Pathogenic for Cortical dysplasia-focal epilepsy syndrome. Last evaluated: 2024-06-05. Review status: criteria provided, single submitter. Criteria: Invitae Variant Classification Sherloc (09022015). Collection method: clinical testing. Allele origin: germline.
Comment: This sequence change creates a premature translational stop signal (p.Gln1086*) in the CNTNAP2 gene. It is expected to result in an absent or disrupted protein product. Loss-of-function variants in CNTNAP2 are known to be pathogenic (PMID: 19896112, 21827697, 25045150, 26843181, 27439707). This variant is not present in population databases (gnomAD no frequency). This variant has not been reported in the literature in individuals affected with CNTNAP2-related conditions. For these reasons, this variant has been classified as Pathogenic.

Literature cited by the submitters: PubMed 19896112; PubMed 21827697; PubMed 25045150; PubMed 26843181; PubMed 27439707.

NM_014141.6(CNTNAP2):c.3256C>T (p.Gln1086Ter)

Gene: CNTNAP2 (contactin associated protein 2; plus strand). Cytogenetic location: 7q36.1.
Variant type: single nucleotide variant.
Coding change: c.3256C>T on transcript NM_014141.6 (MANE Select); coding-DNA position 3256, C replaced by T.
Protein change: p.Gln1086Ter; replaces glutamine 1086 with a stop codon.
Molecular consequence: nonsense.
Genome position (GRCh38, 1-based): chr7:148,229,654, C>T. VCF-style: chr7-148229654-C-T. GRCh37 (hg19) VCF-style: chr7-147926746-C-T.
Other names: short protein forms Q1086*.
Identifiers: ClinVar variation 2818271 (VCV002818271.3), dbSNP rs1795923815, ClinGen allele CA369929586.